The following is an entry in ClinVar:

NM_004329.3(BMPR1A):c.579G>C (p.Leu193Phe)

Gene: BMPR1A (bone morphogenetic protein receptor type 1A; plus strand). Cytogenetic location: 10q23.2.
Variant type: single nucleotide variant.
Coding change: c.579G>C on transcript NM_004329.3 (MANE Select); coding-DNA position 579, G replaced by C.
Protein change: p.Leu193Phe; replaces leucine 193 with phenylalanine.
Molecular consequence: missense variant.
Genome position (GRCh38, 1-based): chr10:86,912,288, G>C. VCF-style: chr10-86912288-G-C. GRCh37 (hg19) VCF-style: chr10-88672045-G-C.
Other names: short protein forms L193F.
Identifiers: ClinVar variation 411635 (VCV000411635.14), dbSNP rs1060503404, ClinGen allele CA16612888.

ClinVar aggregate classification (germline): Uncertain significance. Review status: criteria provided, multiple submitters, no conflicts (2 of 4 stars). 2 submissions from 2 submitters: Uncertain significance (2). Last evaluated 2025-10-26.

Conditions:
Juvenile polyposis syndrome (JPS). Identifiers: Orphanet 2929, MedGen C0345893, MONDO:0017380, OMIM 174900.
Hereditary cancer-predisposing syndrome. Also called: Hereditary neoplastic syndrome; Neoplastic Syndromes, Hereditary; Tumor predisposition; Hereditary Cancer Syndrome. Identifiers: Orphanet 140162, MedGen C0027672, MeSH D009386, MONDO:0015356.

Submissions (2):

Labcorp Genetics (formerly Invitae), Labcorp
Classification: Uncertain significance for Juvenile polyposis syndrome. Last evaluated: 2025-10-26. Review status: criteria provided, single submitter. Criteria: Invitae Variant Classification Sherloc (09022015). Collection method: clinical testing. Allele origin: germline.
Comment: This sequence change replaces leucine, which is neutral and non-polar, with phenylalanine, which is neutral and non-polar, at codon 193 of the BMPR1A protein (p.Leu193Phe). This variant is not present in population databases (gnomAD no frequency). This variant has not been reported in the literature in individuals affected with BMPR1A-related conditions. ClinVar contains an entry for this variant (Variation ID: 411635). Invitae Evidence Modeling of protein sequence and biophysical properties (such as structural, functional, and spatial information, amino acid conservation, physicochemical variation, residue mobility, and thermodynamic stability) indicates that this missense variant is not expected to disrupt BMPR1A protein function with a negative predictive value of 80%. In summary, the available evidence is currently insufficient to determine the role of this variant in disease. Therefore, it has been classified as a Variant of Uncertain Significance.

Ambry Genetics
Classification: Uncertain significance for Hereditary cancer-predisposing syndrome. Last evaluated: 2025-01-17. Review status: criteria provided, single submitter. Criteria: Ambry Variant Classification Scheme 2023. Collection method: clinical testing. Allele origin: germline.
Comment: The p.L193F variant (also known as c.579G>C), located in coding exon 6 of the BMPR1A gene, results from a G to C substitution at nucleotide position 579. The leucine at codon 193 is replaced by phenylalanine, an amino acid with highly similar properties. This amino acid position is highly conserved in available vertebrate species. In addition, the in silico prediction for this alteration is inconclusive. Based on the available evidence, the clinical significance of this variant remains unclear.